The following is an entry in ClinVar:

NM_000038.6(APC):c.4164T>G (p.Thr1388=)

Gene: APC (APC regulator of Wnt signaling pathway; plus strand). Cytogenetic location: 5q22.2.
Variant type: single nucleotide variant.
Coding change: c.4164T>G on transcript NM_000038.6 (MANE Select); coding-DNA position 4164, T replaced by G.
Protein change: p.Thr1388=; no amino-acid change (threonine 1388 retained).
Molecular consequence: synonymous variant.
Genome position (GRCh38, 1-based): chr5:112,839,758, T>G. VCF-style: chr5-112839758-T-G. GRCh37 (hg19) VCF-style: chr5-112175455-T-G.
Other names: c.4164T>G, p.Thr1388= (NM_001127510.3, NM_001354895.2); c.4110T>G, p.Thr1370= (NM_001127511.3); c.4218T>G, p.Thr1406= (NM_001354896.2); c.4194T>G, p.Thr1398= (NM_001354897.2); c.4089T>G, p.Thr1363= (NM_001354898.2); c.4080T>G, p.Thr1360= (NM_001354899.2); c.4041T>G, p.Thr1347= (NM_001354900.2); c.3987T>G, p.Thr1329= (NM_001354901.2); and 5 more.
Identifiers: ClinVar variation 236596 (VCV000236596.11), dbSNP rs878853443, ClinGen allele CA10582312.

ClinVar aggregate classification (germline): Benign/Likely benign. Review status: criteria provided, multiple submitters, no conflicts (2 of 4 stars). 2 submissions from 2 submitters: Benign (1); Likely benign (1). Last evaluated 2025-04-02.

Conditions:
Familial adenomatous polyposis 1 (FAP1). Also called: FAMILIAL ADENOMATOUS POLYPOSIS 1, ATTENUATED; POLYPOSIS, ADENOMATOUS INTESTINAL. Identifiers: MedGen C2713442, MONDO:0021056, OMIM 175100. Disease mechanism: loss of function.

Submissions (2):

Labcorp Genetics (formerly Invitae), Labcorp
Classification: Likely benign for Familial adenomatous polyposis 1. Last evaluated: 2025-04-02. Review status: criteria provided, single submitter. Criteria: Invitae Variant Classification Sherloc (09022015). Collection method: clinical testing. Allele origin: germline.

Myriad Genetics, Inc.
Classification: Benign for Familial adenomatous polyposis 1. Last evaluated: 2024-03-25. Review status: criteria provided, single submitter. Criteria: Myriad Autosomal Dominant, Autosomal Recessive and X-Linked Classification Criteria (2023). Collection method: clinical testing. Allele origin: unknown.
Comment: This variant is considered benign. This variant is a silent/synonymous amino acid change and it is not expected to impact splicing.